The following is an entry in ClinVar:

ClinVar aggregate classification (germline): Pathogenic (1 of 4 stars; one submission).

Conditions:
Hereditary nonpolyposis colorectal neoplasms. Identifiers: MedGen C0009405, MeSH D003123.

Submission:

Labcorp Genetics (formerly Invitae), Labcorp
Classification: Pathogenic for Hereditary nonpolyposis colorectal neoplasms. Last evaluated: 2024-05-15. Review status: criteria provided, single submitter. Criteria: Invitae Variant Classification Sherloc (09022015). Collection method: clinical testing. Allele origin: germline.
Comment: This sequence change creates a premature translational stop signal (p.Lys610*) in the PMS2 gene. It is expected to result in an absent or disrupted protein product. Loss-of-function variants in PMS2 are known to be pathogenic (PMID: 21376568, 24362816). This variant is not present in population databases (gnomAD no frequency). This variant has not been reported in the literature in individuals affected with PMS2-related conditions. For these reasons, this variant has been classified as Pathogenic.

Literature cited by the submitters: PubMed 21376568; PubMed 24362816.

NM_000535.7(PMS2):c.1828A>T (p.Lys610Ter)

Gene: PMS2 (PMS1 homolog 2, mismatch repair system component; minus strand). Cytogenetic location: 7p22.1.
Variant type: single nucleotide variant.
Coding change: c.1828A>T on transcript NM_000535.7 (MANE Select); coding-DNA position 1828, A replaced by T.
Protein change: p.Lys610Ter; replaces lysine 610 with a stop codon.
Molecular consequence: nonsense. On other transcripts: non-coding transcript variant (1), intron variant (1).
Genome position (GRCh38, 1-based): chr7:5,986,937, T>A on the plus strand (A>T on the coding strand, the complement: PMS2 is on the minus strand). VCF-style: chr7-5986937-T-A. GRCh37 (hg19) VCF-style: chr7-6026568-T-A.
Other names: c.1519A>T, p.Lys507Ter (NM_001406878.1, NM_001406879.1, NM_001406880.1 and 5 more transcripts); c.1510A>T, p.Lys504Ter (NM_001406883.1, NM_001322007.2, NM_001322008.2 and 2 more transcripts); c.1504A>T, p.Lys502Ter (NM_001406884.1); c.1492A>T, p.Lys498Ter (NM_001406885.1); c.1462A>T, p.Lys488Ter (NM_001406886.1); c.1423A>T, p.Lys475Ter (NM_001322003.2, NM_001322004.2, NM_001322005.2 and 16 more transcripts); c.1672A>T, p.Lys558Ter (NM_001322006.2, NM_001406870.1); c.1267A>T, p.Lys423Ter (NM_001322010.2, NM_001406906.1, NM_001406907.1); and 13 more; short protein forms K299*, K452*, K475*, K502*, K558*, K574*, K610*, K423*.
Identifiers: ClinVar variation 3653461 (VCV003653461.2).